The following is an entry in ClinVar:

NM_006231.4(POLE):c.2299_2300insCTACG (p.Glu767fs)

Gene: POLE (DNA polymerase epsilon, catalytic subunit; minus strand). Cytogenetic location: 12q24.33.
Variant type: Insertion.
Coding change: c.2299_2300insCTACG on transcript NM_006231.4 (MANE Select); coding-DNA positions 2299 to 2300, CTACG inserted.
Protein change: p.Glu767fs; shifts the reading frame from glutamic acid 767.
Molecular consequence: frameshift variant.
Genome position: GRCh38 VCF-style: chr12-132667522-T-TCGTAG. GRCh37 (hg19) VCF-style: chr12-133244108-T-TCGTAG.
Other names: short protein forms E767fs.
Identifiers: ClinVar variation 4721460 (VCV004721460.1).

ClinVar aggregate classification (germline): Pathogenic (1 of 4 stars; one submission).

Submission:

Labcorp Genetics (formerly Invitae), Labcorp
Classification: Pathogenic. Last evaluated: 2025-06-15. Review status: criteria provided, single submitter. Criteria: Invitae Variant Classification Sherloc (09022015). Collection method: clinical testing. Allele origin: germline.
Comment: This sequence change creates a premature translational stop signal (p.Glu767Alafs*27) in the POLE gene. It is expected to result in an absent or disrupted protein product. Loss-of-function variants in POLE are known to be pathogenic (PMID: 23230001, 25948378, 30503519). This variant is not present in population databases (gnomAD no frequency). This variant has not been reported in the literature in individuals affected with POLE-related conditions. For these reasons, this variant has been classified as Pathogenic.

Literature cited by the submitters: PubMed 23230001; PubMed 25948378; PubMed 30503519.